The following is an entry in ClinVar:

NM_006659.4(TUBGCP2):c.489C>T (p.Asp163=)

Gene: TUBGCP2 (tubulin gamma complex component 2; minus strand). Cytogenetic location: 10q26.3.
Variant type: single nucleotide variant.
Coding change: c.489C>T on transcript NM_006659.4 (MANE Select); coding-DNA position 489, C replaced by T.
Protein change: p.Asp163=; no amino-acid change (aspartic acid 163 retained).
Molecular consequence: synonymous variant. On other transcripts: non-coding transcript variant (1).
Genome position (GRCh38, 1-based): chr10:133,298,079, G>A on the plus strand (C>T on the coding strand, the complement: TUBGCP2 is on the minus strand). VCF-style: chr10-133298079-G-A. GRCh37 (hg19) VCF-style: chr10-135111583-G-A.
Other names: c.489C>T, p.Asp163= (NM_001256617.2); c.99C>T, p.Asp33= (NM_001256618.2).
Identifiers: ClinVar variation 2641028 (VCV002641028.24), dbSNP rs762777674, ClinGen allele CA5764472.
Genomic context (GRCh38, chr10:133,298,079, plus strand): 5'-CTCATACACCCATGCTGGGAAGATGGGGAGGTGCTGGCCTGAATTTTTTTTGTTCTGCTT[G>A]TCTCGAAGCATCTTTCTTTTAAGTTCCAGAGACTAGCAAGGACATTTTAAAAAACAAAAC-3'
Protein context (NP_006650.1, residues 153-173): SLELKRKMLR[Asp163=]KQNKKNSGQH

ClinVar aggregate classification (germline): Likely benign (1 of 4 stars; one submission).

Allele frequency attached by ClinVar (database versions not stated): ExAC 0.00001.
gnomAD v4.1: 3 of 1,614,080 alleles (0.00019%); highest among the groups gnomAD compares: Non-Finnish European, 0.00025%; no homozygotes.

Submission:

CeGaT Center for Human Genetics Tuebingen
Classification: Likely benign. Last evaluated: 2022-03-01. Review status: criteria provided, single submitter. Criteria: CeGaT Center For Human Genetics Tuebingen Variant Classification Criteria Version 2. Collection method: clinical testing. Allele origin: germline. Affected: yes. Observed: 1 variant allele.
Comment: TUBGCP2: BP4, BP7